The following is an entry in ClinVar:

NM_001387430.1(SH2B1):c.1422C>G (p.Pro474=)

Gene: SH2B1 (SH2B adaptor protein 1; plus strand). Cytogenetic location: 16p11.2.
Variant type: single nucleotide variant.
Coding change: c.1422C>G on transcript NM_001387430.1 (MANE Select); coding-DNA position 1422, C replaced by G.
Protein change: p.Pro474=; no amino-acid change (proline 474 retained).
Molecular consequence: synonymous variant.
Genome position (GRCh38, 1-based): chr16:28,871,892, C>G. VCF-style: chr16-28871892-C-G. GRCh37 (hg19) VCF-style: chr16-28883213-C-G.
Other names: c.1422C>G, p.Pro474= (NM_001145795.2, NM_001145796.2, NM_001145797.2 and 4 more transcripts); c.414C>G, p.Pro138= (NM_001308294.2).
Identifiers: ClinVar variation 3348928 (VCV003348928.2).

ClinVar aggregate classification (germline): Likely benign. Review status: criteria provided, single submitter (1 of 4 stars). 2 submissions from 2 submitters: Likely benign (1). 1 of the submissions does not count toward it. Last evaluated 2025-06-12.

Conditions:
SH2B1-related disorder. Also called: SH2B1-related condition.

gnomAD v4.1: 1 of 1,540,874 alleles (0.000065%); highest among the groups gnomAD compares: Admixed American, 0.0017%; no homozygotes.

Submissions (2):

Labcorp Genetics (formerly Invitae), Labcorp
Classification: Likely benign. Last evaluated: 2025-06-12. Review status: criteria provided, single submitter. Criteria: Invitae Variant Classification Sherloc (09022015). Collection method: clinical testing. Allele origin: germline.

PreventionGenetics, part of Exact Sciences
Classification: Likely benign for SH2B1-related condition. Last evaluated: 2024-01-02. Review status: no assertion criteria provided. Collection method: clinical testing. Allele origin: germline. Not counted in ClinVar's aggregate classification.
Comment: This variant is classified as likely benign based on ACMG/AMP sequence variant interpretation guidelines (Richards et al. 2015 PMID: 25741868, with internal and published modifications).